The following is an entry in ClinVar:

NC_000007.14:g.(?_124835269)_(124897183_?)dup

Gene: POT1 (protection of telomeres 1; minus strand). Cytogenetic location: 7q31.33.
Variant type: Duplication.
Identifiers: ClinVar variation 831187 (VCV000831187.7).

ClinVar aggregate classification (germline): Uncertain significance (1 of 4 stars; one submission).

Conditions:
Tumor predisposition syndrome 3 (TPDS3). Also called: Glioma susceptibility 9; LONG TELOMERE SYNDROME, POT1-RELATED; POT1 Tumor Predisposition; Melanoma, cutaneous malignant, susceptibility to, 10. Identifiers: Orphanet 618, MedGen C4014476, MONDO:0014368, OMIM 615848.

Submission:

Labcorp Genetics (formerly Invitae), Labcorp
Classification: Uncertain significance for Tumor predisposition syndrome 3. Last evaluated: 2019-04-28. Review status: criteria provided, single submitter. Criteria: Invitae Variant Classification Sherloc (09022015). Collection method: clinical testing. Allele origin: germline.
Comment: Experimental studies and prediction algorithms are not available for this variant, and the functional significance of the affected amino acid(s) is currently unknown. In summary, the available evidence is currently insufficient to determine the role of this variant in disease. Therefore, it has been classified as a Variant of Uncertain Significance. This variant has not been reported in the literature in individuals with POT1-related conditions. This variant results in a copy number gain of the genomic region encompassing exons 5-15 of the POT1 gene. The 5' end of this event is unknown as it extends beyond the assayed region for this gene and therefore may encompass additional genes. The 3' boundary is likely confined to intron 15 of the POT1 gene, which includes the initiator codon. As the precise location of this event is unknown, it may be in tandem or it may be located elsewhere in the genome.